The following is an entry in ClinVar:

ClinVar aggregate classification (germline): Likely benign (1 of 4 stars; one submission).

Submission:

CeGaT Center for Human Genetics Tuebingen
Classification: Likely benign. Last evaluated: 2026-02-01. Review status: criteria provided, single submitter. Criteria: CeGaT Center For Human Genetics Tuebingen Variant Classification Criteria Version 2. Collection method: clinical testing. Allele origin: germline. Affected: yes. Observed: 1 variant allele.
Comment: CEP85L: PM2:Supporting, BP4, BP7

NM_001042475.3(CEP85L):c.879C>G (p.Ser293=)

Gene: CEP85L (centrosomal protein 85L; minus strand). Cytogenetic location: 6q22.31.
Variant type: single nucleotide variant.
Coding change: c.879C>G on transcript NM_001042475.3 (MANE Select); coding-DNA position 879, C replaced by G.
Protein change: p.Ser293=; no amino-acid change (serine 293 retained).
Molecular consequence: synonymous variant.
Genome position (GRCh38, 1-based): chr6:118,565,670, G>C on the plus strand (C>G on the coding strand, the complement: CEP85L is on the minus strand). VCF-style: chr6-118565670-G-C. GRCh37 (hg19) VCF-style: chr6-118886833-G-C.
Other names: c.888C>G, p.Ser296= (NM_001178035.2); c.879C>G, p.Ser293= (NM_206921.3).
Identifiers: ClinVar variation 4823392 (VCV004823392.4).
Genomic context (GRCh38, chr6:118,565,670, plus strand): 5'-ATTTCTACCTTCCAAAGGATTTGTCCGCAGCTGCTCTGTAAGCCACATCTGAGTCCTTAC[G>C]GAAGGCTGAATGGGAACTCCACCTACTGCCTGTTGACCAAGCATTAAATATTTTGGAGGT-3'
Protein context (NP_001035940.1, residues 283-303): QAVGGVPIQP[Ser293=]VRTQMWLTEQ